The following is an entry in ClinVar:

NM_005245.4(FAT1):c.12647C>G (p.Pro4216Arg)

Gene: FAT1 (FAT atypical cadherin 1; minus strand). Cytogenetic location: 4q35.2.
Variant type: single nucleotide variant.
Coding change: c.12647C>G on transcript NM_005245.4 (MANE Select); coding-DNA position 12647, C replaced by G.
Protein change: p.Pro4216Arg; replaces proline 4216 with arginine.
Molecular consequence: missense variant.
Genome position (GRCh38, 1-based): chr4:186,596,893, G>C on the plus strand (C>G on the coding strand, the complement: FAT1 is on the minus strand). VCF-style: chr4-186596893-G-C. GRCh37 (hg19) VCF-style: chr4-187518047-G-C.
Other names: c.12647C>G, p.Pro4216Arg (NM_001440455.1, NM_001440456.1, NM_001440457.1); short protein forms P4216R.
Identifiers: ClinVar variation 4872431 (VCV004872431.2).

ClinVar aggregate classification (germline): Uncertain significance (1 of 4 stars; one submission).

gnomAD v4.1: 2 of 1,614,010 alleles (0.00012%); highest among the groups gnomAD compares: Non-Finnish European, 0.00017%; no homozygotes.

Submission:

CeGaT Center for Human Genetics Tuebingen
Classification: Uncertain significance. Last evaluated: 2026-05-01. Review status: criteria provided, single submitter. Criteria: CeGaT Center For Human Genetics Tuebingen Variant Classification Criteria Version 2. Collection method: clinical testing. Allele origin: germline. Affected: yes. Observed: 1 variant allele.
Comment: FAT1: PM2, BP4